The following is an entry in ClinVar:

NM_000451.4(SHOX):c.38A>G (p.Asp13Gly)

Gene: SHOX (SHOX homeobox; plus strand). Cytogenetic location: Xp22.33.
Variant type: single nucleotide variant.
Coding change: c.38A>G on transcript NM_000451.4 (MANE Select); coding-DNA position 38, A replaced by G.
Protein change: p.Asp13Gly; replaces aspartic acid 13 with glycine.
Molecular consequence: missense variant.
Genome position (GRCh38, 1-based): chrX:630,935, A>G. VCF-style: chrX-630935-A-G. GRCh37 (hg19) VCF-style: chrX-591670-A-G.
Other names: c.38A>G, p.Asp13Gly (NM_006883.2); short protein forms D13G.
Identifiers: ClinVar variation 1034223 (VCV001034223.1), dbSNP rs1334507288, ClinGen allele CA412230617.
Genomic context (GRCh38, chrX:630,935, plus strand): 5'-GCTCGCCAGCCCCGGCCCCAGCCATGGAAGAGCTCACGGCTTTTGTATCCAAGTCTTTTG[A>G]CCAGAAAAGCAAGGACGGTAACGGCGGAGGCGGAGGCGGCGGAGGTAAGAAGGATTCCAT-3'
Protein context (NP_000442.1, residues 3-23): ELTAFVSKSF[Asp13Gly]QKSKDGNGGG

ClinVar aggregate classification (germline): Uncertain significance (1 of 4 stars; one submission).

Conditions:
Langer mesomelic dysplasia syndrome (LMD). Also called: Langer mesomelic dysplasia; DYSCHONDROSTEOSIS, HOMOZYGOUS. Identifiers: Orphanet 2632, MedGen C0432230, MONDO:0009588, OMIM 249700.

Submission:

Baylor Genetics
Classification: Uncertain significance for Langer mesomelic dysplasia syndrome. Last evaluated: 2018-07-29. Review status: criteria provided, single submitter. Criteria: ACMG Guidelines, 2015. Collection method: clinical testing. Allele origin: maternal. Affected: yes.
Comment: This variant was determined to be of uncertain significance according to ACMG Guidelines, 2015 [PMID:25741868].